The following is an entry in ClinVar:

ClinVar aggregate classification (germline): Uncertain significance (1 of 4 stars; one submission).

gnomAD v4.1: 22 of 1,578,924 alleles (0.0014%); highest among the groups gnomAD compares: East Asian, 0.011%; 4 homozygotes.

Submission:

Ambry Genetics
Classification: Uncertain significance. Last evaluated: 2025-12-24. Review status: criteria provided, single submitter. Criteria: Ambry Variant Classification Scheme 2023. Collection method: clinical testing. Allele origin: germline.
Comment: The c.1008A>C (p.R336S) alteration is located in exon 5 (coding exon 5) of the PSG9 gene. This alteration results from a A to C substitution at nucleotide position 1008, causing the arginine (R) at amino acid position 336 to be replaced by a serine (S). Based on data from gnomAD, the C allele has an overall frequency of 0.003% (6/232586) total alleles studied. The highest observed frequency was 0.026% (4/15450) of East Asian alleles. Based on insufficient or conflicting evidence, the clinical significance of this alteration remains unclear.

NM_002784.5(PSG9):c.1008A>C (p.Arg336Ser)

Gene: PSG9 (pregnancy specific beta-1-glycoprotein 9; minus strand). Cytogenetic location: 19q13.31.
Variant type: single nucleotide variant.
Coding change: c.1008A>C on transcript NM_002784.5 (MANE Select); coding-DNA position 1008, A replaced by C.
Protein change: p.Arg336Ser; replaces arginine 336 with serine.
Molecular consequence: missense variant.
Genome position (GRCh38, 1-based): chr19:43,258,437, T>G on the plus strand (A>C on the coding strand, the complement: PSG9 is on the minus strand). VCF-style: chr19-43258437-T-G. GRCh37 (hg19) VCF-style: chr19-43762589-T-G.
Other names: c.729A>C, p.Arg243Ser (NM_001301707.2, NM_001301708.2, NM_001411075.1); c.450A>C, p.Arg150Ser (NM_001301709.2); short protein forms R336S, R150S, R243S.
Identifiers: ClinVar variation 4838559 (VCV004838559.1).
Genomic context (GRCh38, chr19:43,258,437, plus strand): 5'-CGTGAAGCAGGACAAGTCGAGGTTTTCTCCTGAACGGTAATAGGTGAATGAAGGGTAAAT[T>G]CTGGGGAGGTCTGGACCATCTGGAGGAAAGAGAATAAAGCCACACGTGATGTCATTCGAG-3'
Protein context (NP_002775.3, residues 326-346): LNVLYGPDLP[Arg336Ser]IYPSFTYYRS